The following is an entry in ClinVar:

NM_033087.4(ALG2):c.1132C>T (p.Arg378Cys)

Gene: ALG2 (ALG2 alpha-1,3/1,6-mannosyltransferase; minus strand). Cytogenetic location: 9q22.33.
Variant type: single nucleotide variant.
Coding change: c.1132C>T on transcript NM_033087.4 (MANE Select); coding-DNA position 1132, C replaced by T.
Protein change: p.Arg378Cys; replaces arginine 378 with cysteine.
Molecular consequence: missense variant. On other transcripts: non-coding transcript variant (1).
Genome position (GRCh38, 1-based): chr9:99,218,053, G>A on the plus strand (C>T on the coding strand, the complement: ALG2 is on the minus strand). VCF-style: chr9-99218053-G-A. GRCh37 (hg19) VCF-style: chr9-101980335-G-A.
Other names: short protein forms R378C.
Identifiers: ClinVar variation 265036 (VCV000265036.12), dbSNP rs56393253, ClinGen allele CA5156206.

ClinVar aggregate classification (germline): Uncertain significance. Review status: criteria provided, multiple submitters, no conflicts (2 of 4 stars). 5 submissions from 5 submitters: Uncertain significance (5). Last evaluated 2024-01-22.

Conditions:
Inborn genetic diseases. Identifiers: MedGen C0950123, MeSH D030342.
Congenital disorder of glycosylation, type Ii. Also called: CDG Ii; ALG2-congenital disorder of glycosylation; ALG2-CDG. Identifiers: Orphanet 79326, MedGen C1842836, MONDO:0011933, OMIM 607906.
Congenital myasthenic syndrome 14. Also called: Myasthenic syndrome, congenital, 14, with tubular aggregates. Identifiers: Orphanet 353327, Orphanet 590, MedGen C4015597, MONDO:0014543, OMIM 616228.

Allele frequency attached by ClinVar (database versions not stated): 1000 Genomes Project 0.00060; gnomAD 0.00052 and 0.00054; gnomAD exomes 0.00058 and 0.00035; TOPMed 0.00058; ExAC 0.00030; ESP Exome Variant Server 0.00077; 1000 Genomes Project 30x 0.00078.
gnomAD v4.1: 925 of 1,614,126 alleles (0.057%); highest among the groups gnomAD compares: African/African-American, 0.11%; 2 homozygotes.

Submissions (5):

Labcorp Genetics (formerly Invitae), Labcorp
Classification: Uncertain significance for Congenital disorder of glycosylation, type Ii; Congenital myasthenic syndrome 14. Last evaluated: 2024-01-22. Review status: criteria provided, single submitter. Criteria: Invitae Variant Classification Sherloc (09022015). Collection method: clinical testing. Allele origin: germline.
Comment: This sequence change replaces arginine, which is basic and polar, with cysteine, which is neutral and slightly polar, at codon 378 of the ALG2 protein (p.Arg378Cys). This variant is present in population databases (rs56393253, gnomAD 0.1%). This variant has not been reported in the literature in individuals affected with ALG2-related conditions. ClinVar contains an entry for this variant (Variation ID: 265036). An algorithm developed to predict the effect of missense changes on protein structure and function (PolyPhen-2) suggests that this variant is likely to be disruptive. In summary, the available evidence is currently insufficient to determine the role of this variant in disease. Therefore, it has been classified as a Variant of Uncertain Significance.

Ambry Genetics
Classification: Uncertain significance for Inborn genetic diseases. Last evaluated: 2022-07-12. Review status: criteria provided, single submitter. Criteria: Ambry Variant Classification Scheme 2023. Collection method: clinical testing. Allele origin: germline.

GeneDx
Classification: Uncertain significance. Last evaluated: 2022-06-30. Review status: criteria provided, single submitter. Criteria: GeneDx Variant Classification Process June 2021. Collection method: clinical testing. Allele origin: germline. Affected: yes.
Comment: Reported previously as a variant of uncertain significance identified with CDG molecular testing; however, no clinical information was provided (Jones et al., 2013); In silico analysis supports that this missense variant has a deleterious effect on protein structure/function; This variant is associated with the following publications: (PMID: 23806237)

Fulgent Genetics
Classification: Uncertain significance for Congenital disorder of glycosylation, type Ii; Congenital myasthenic syndrome 14. Last evaluated: 2021-12-27. Review status: criteria provided, single submitter. Criteria: ACMG Guidelines, 2015. Collection method: clinical testing. Allele origin: unknown.

Baylor Genetics
Classification: Uncertain significance for Congenital disorder of glycosylation, type Ii. Last evaluated: 2019-06-19. Review status: criteria provided, single submitter. Criteria: ACMG Guidelines, 2015. Collection method: clinical testing. Allele origin: unknown. Affected: yes.
Comment: This variant was determined to be of uncertain significance according to ACMG Guidelines, 2015 [PMID:25741868].